The following is an entry in ClinVar:

NM_000152.5(GAA):c.2800-3C>G

Gene: GAA (alpha glucosidase; plus strand). Cytogenetic location: 17q25.3.
Variant type: single nucleotide variant.
Coding change: c.2800-3C>G on transcript NM_000152.5 (MANE Select); 3 bases into the intron before coding-DNA position 2800, C replaced by G.
Molecular consequence: intron variant.
Genome position (GRCh38, 1-based): chr17:80,119,269, C>G. VCF-style: chr17-80119269-C-G. GRCh37 (hg19) VCF-style: chr17-78093068-C-G.
Other names: c.2800-3C>G (NM_001406741.1, NM_001406742.1, NM_001079803.3 and 1 more transcripts).
Identifiers: ClinVar variation 4876398 (VCV004876398.1).
Genomic context (GRCh38, chr17:80,119,269, plus strand): 5'-AGCGCTGGGGTCTCACTGCTGCTGGGATCTCGGGCTGCTCCATTTGTGCTCTCTCTTTTC[C>G]AGGTCCTGGACATCTGTGTCTCGCTGTTGATGGGAGAGCAGTTTCTCGTCAGCTGGTGTT-3'

ClinVar aggregate classification (germline): Uncertain significance (1 of 4 stars; one submission).

Conditions:
Glycogen storage disease, type II (IOPD). Also called: Pompe Disease; CARDIOMEGALIA GLYCOGENICA DIFFUSA; GLYCOGENOSIS, GENERALIZED, CARDIAC FORM; GSD II; POMPE DISEASE, INFANTILE-ONSET; GLYCOGEN STORAGE DISEASE II, INFANTILE-ONSET. Identifiers: Orphanet 365, MedGen C0017921, MONDO:0009290, OMIM 232300.

gnomAD v4.1: 1 of 1,613,938 alleles (0.000062%); no homozygotes.

Submission:

Genomenon, Inc
Classification: Uncertain significance for Glycogen storage disease, type II. Last evaluated: 2026-07-01. Review status: criteria provided, single submitter. Criteria: Genomenon Sequence Variant Interpretation Standards - Updated. Collection method: curation. Allele origin: germline.
Comment: GAA c.2800-3C>G is an intronic variant located in the acceptor splice region of intron 19. This variant has been reported in the compound heterozygous and/or homozygous state in an individual without a confirmed diagnosis of Pompe disease (PMID:17027861). It is absent or not present at a significant frequency in gnomAD. In silico models predict that this variant is possibly or probably damaging. In conclusion, we classify GAA c.2800-3C>G as a variant of uncertain significance.

Literature cited by the submitters: PubMed 17027861.